The following is an entry in ClinVar:

NM_147686.4(TRAF3IP2):c.957C>A (p.Ser319Arg)

Genes: TRAF3IP2 (TRAF3 interacting protein 2; minus strand), TRAF3IP2-AS1 (TRAF3IP2 antisense RNA 1; plus strand). Cytogenetic location: 6q21.
Variant type: single nucleotide variant.
Coding change: c.957C>A on transcript NM_147686.4 (MANE Select); coding-DNA position 957, C replaced by A.
Protein change: p.Ser319Arg; replaces serine 319 with arginine.
Molecular consequence: missense variant.
Genome position (GRCh38, 1-based): chr6:111,580,262, G>T on the plus strand (C>A on the coding strand, the complement: TRAF3IP2 is on the minus strand). VCF-style: chr6-111580262-G-T. GRCh37 (hg19) VCF-style: chr6-111901465-G-T.
Other names: c.957C>A, p.Ser319Arg (NM_001164281.3); c.984C>A, p.Ser328Arg (NM_147200.3); short protein forms S319R, S328R.
Identifiers: ClinVar variation 541101 (VCV000541101.15), dbSNP rs146226365, ClinGen allele CA3963222.
Genomic context (GRCh38, chr6:111,580,262, plus strand): 5'-CCTTGGAAGCCCCGGAAAGGAGCAGTCTCTCTGTGCGGGCCTCTCTTCGTGGTCCCAGGG[G>T]CTGGGATAATTCAGGATAACCTTCTGCACAGGGTGCAGGCCTCTCACACTGGCTCCAGGC-3'
Protein context (NP_679211.2, residues 309-329): PVQKVILNYP[Ser319Arg]PWDHEERPAQ

ClinVar aggregate classification (germline): Benign/Likely benign. Review status: criteria provided, multiple submitters, no conflicts (2 of 4 stars). 3 submissions from 3 submitters: Benign (1); Likely benign (1). 1 of the submissions does not count toward it. Last evaluated 2026-02-01.

Conditions:
TRAF3IP2-related disorder. Also called: TRAF3IP2-related condition.
Candidiasis, familial, 8 (CANDF8). Identifiers: Orphanet 1334, MedGen C3714992, MONDO:0014230, OMIM 615527.

Allele frequency attached by ClinVar (database versions not stated): 1000 Genomes Project 0.00060; 1000 Genomes Project 30x 0.00094; gnomAD 0.00103 and 0.00114; ESP Exome Variant Server 0.00108; TOPMed 0.00108; gnomAD exomes 0.00177; ExAC 0.00183.

Submissions (3):

Labcorp Genetics (formerly Invitae), Labcorp
Classification: Benign for Candidiasis, familial, 8. Last evaluated: 2026-02-01. Review status: criteria provided, single submitter. Criteria: Invitae Variant Classification Sherloc (09022015). Collection method: clinical testing. Allele origin: germline.

Blueprint Genetics
Classification: Likely benign. Last evaluated: 2024-11-20. Review status: criteria provided, single submitter. Criteria: ACMG Guidelines, 2015. Collection method: clinical testing. Allele origin: germline.

PreventionGenetics, part of Exact Sciences
Classification: Benign for TRAF3IP2-related condition. Last evaluated: 2019-09-13. Review status: no assertion criteria provided. Collection method: clinical testing. Allele origin: germline. Not counted in ClinVar's aggregate classification.
Comment: This variant is classified as benign based on ACMG/AMP sequence variant interpretation guidelines (Richards et al. 2015 PMID: 25741868, with internal and published modifications).